The following is an entry in ClinVar:

ClinVar aggregate classification (germline): Conflicting classifications of pathogenicity. Review status: criteria provided, conflicting classifications (1 of 4 stars). 4 submissions from 4 submitters: Uncertain significance (3); Likely benign (1). Last evaluated 2025-07-09.

Conditions:
Hypertrophic cardiomyopathy. Also called: HYPERTROPHIC MYOCARDIOPATHY. Identifiers: Orphanet 217569, MedGen C0007194, MeSH D002312, MONDO:0005045, HP:0001639.
Cardiovascular phenotype. Identifiers: MedGen CN230736.
Cardiomyopathy (CMYO). Also called: Cardiomyopathies. Identifiers: Orphanet 167848, MedGen C0878544, MONDO:0004994, HP:0001638. Inheritance: Various modes of inheritance.

Allele frequency attached by ClinVar (database versions not stated): gnomAD exomes below 0.00001; TOPMed below 0.00001; gnomAD 0.00002.
gnomAD v4.1: 4 of 1,613,842 alleles (0.00025%); highest among the groups gnomAD compares: Admixed American, 0.0017%; no homozygotes.

Submissions (4):

Ambry Genetics
Classification: Likely benign for Cardiovascular phenotype. Last evaluated: 2025-07-09. Review status: criteria provided, single submitter. Criteria: Ambry Variant Classification Scheme 2023. Collection method: clinical testing. Allele origin: germline.

GeneDx
Classification: Uncertain significance. Last evaluated: 2025-03-25. Review status: criteria provided, single submitter. Criteria: GeneDx Variant Classification Process June 2021. Collection method: clinical testing. Allele origin: germline. Affected: yes.
Comment: Identified in a patient with HCM in published literature (PMID: 28356264); In silico analysis indicates that this missense variant does not alter protein structure/function; This variant is associated with the following publications: (PMID: 28356264)

Color Diagnostics, LLC DBA Color Health
Classification: Uncertain significance for Cardiomyopathy. Last evaluated: 2024-09-03. Review status: criteria provided, single submitter. Criteria: ACMG Guidelines, 2015. Collection method: clinical testing. Allele origin: germline.
Comment: This missense variant replaces isoleucine with threonine at codon 655 of the MYBPC3 protein. Computational prediction tools indicate that this variant has a neutral impact on protein structure and function. To our knowledge, functional studies have not been reported for this variant. This variant has been reported in an individual affected with hypertrophic cardiomyopathy (PMID: 28356264). This variant has been identified in 2/31392 chromosomes in the general population by the Genome Aggregation Database (gnomAD). The available evidence is insufficient to determine the role of this variant in disease conclusively. Therefore, this variant is classified as a Variant of Uncertain Significance.

Labcorp Genetics (formerly Invitae), Labcorp
Classification: Uncertain significance for Hypertrophic cardiomyopathy. Last evaluated: 2022-07-19. Review status: criteria provided, single submitter. Criteria: Invitae Variant Classification Sherloc (09022015). Collection method: clinical testing. Allele origin: germline.
Comment: ClinVar contains an entry for this variant (Variation ID: 921964). Algorithms developed to predict the effect of missense changes on protein structure and function output the following: SIFT: "Tolerated"; PolyPhen-2: "Benign"; Align-GVGD: "Class C0". The threonine amino acid residue is found in multiple mammalian species, which suggests that this missense change does not adversely affect protein function. In summary, the available evidence is currently insufficient to determine the role of this variant in disease. Therefore, it has been classified as a Variant of Uncertain Significance. This missense change has been observed in individual(s) with hypertrophic cardiomyopathy (PMID: 28356264). This sequence change replaces isoleucine, which is neutral and non-polar, with threonine, which is neutral and polar, at codon 655 of the MYBPC3 protein (p.Ile655Thr). This variant is present in population databases (no rsID available, gnomAD 0.1%).

Literature cited by the submitters: PubMed 28356264 (cited by Color Diagnostics, LLC DBA Color Health and Labcorp Genetics (formerly Invitae), Labcorp).

NM_000256.3(MYBPC3):c.1964T>C (p.Ile655Thr)

Gene: MYBPC3 (myosin binding protein C3; minus strand). Cytogenetic location: 11p11.2.
Variant type: single nucleotide variant.
Coding change: c.1964T>C on transcript NM_000256.3 (MANE Select); coding-DNA position 1964, T replaced by C.
Protein change: p.Ile655Thr; replaces isoleucine 655 with threonine.
Molecular consequence: missense variant.
Genome position (GRCh38, 1-based): chr11:47,339,754, A>G on the plus strand (T>C on the coding strand, the complement: MYBPC3 is on the minus strand). VCF-style: chr11-47339754-A-G. GRCh37 (hg19) VCF-style: chr11-47361305-A-G.
Other names: short protein forms I655T.
Identifiers: ClinVar variation 921964 (VCV000921964.12), dbSNP rs1189009603, ClinGen allele CA380321899.